The following is an entry in ClinVar:

ClinVar aggregate classification (germline): Likely benign (1 of 4 stars; one submission).

Allele frequency attached by ClinVar (database versions not stated): gnomAD exomes 0.00092; gnomAD 0.00883 and 0.00948; 1000 Genomes Project 0.01038; TOPMed 0.01059; 1000 Genomes Project 30x 0.01093.
gnomAD v4.1: 2,269 of 1,095,900 alleles (0.21%); highest among the groups gnomAD compares: African/African-American, 2.9%; 33 homozygotes.

Submission:

GeneDx
Classification: Likely benign. Last evaluated: 2018-06-14. Review status: criteria provided, single submitter. Criteria: GeneDx Variant Classification (06012015). Collection method: clinical testing. Allele origin: germline. Affected: yes.
Comment: This variant is considered likely benign or benign based on one or more of the following criteria: it is a conservative change, it occurs at a poorly conserved position in the protein, it is predicted to be benign by multiple in silico algorithms, and/or has population frequency not consistent with disease.

NM_000238.4(KCNH2):c.2399-133G>T

Gene: KCNH2 (potassium voltage-gated channel subfamily H member 2; minus strand). Cytogenetic location: 7q36.1.
Variant type: single nucleotide variant.
Coding change: c.2399-133G>T on transcript NM_000238.4 (MANE Select); 133 bases into the intron before coding-DNA position 2399, G replaced by T.
Molecular consequence: intron variant.
Genome position (GRCh38, 1-based): chr7:150,949,182, C>A on the plus strand (G>T on the coding strand, the complement: KCNH2 is on the minus strand). VCF-style: chr7-150949182-C-A. GRCh37 (hg19) VCF-style: chr7-150646270-C-A.
Other names: c.1379-133G>T (NM_172057.3).
Identifiers: ClinVar variation 675959 (VCV000675959.1), dbSNP rs41314360, ClinGen allele CA169075089.